The following is an entry in ClinVar:

NM_005612.5(REST):c.2449C>T (p.Arg817Ter)

Gene: REST (RE1 silencing transcription factor; plus strand). Cytogenetic location: 4q12.
Variant type: single nucleotide variant.
Coding change: c.2449C>T on transcript NM_005612.5 (MANE Select); coding-DNA position 2449, C replaced by T.
Protein change: p.Arg817Ter; replaces arginine 817 with a stop codon.
Molecular consequence: nonsense.
Genome position (GRCh38, 1-based): chr4:56,931,307, C>T. VCF-style: chr4-56931307-C-T. GRCh37 (hg19) VCF-style: chr4-57797473-C-T.
Other names: c.2449C>T, p.Arg817Ter (NM_001193508.2, NM_001363453.3); c.2449C>T (NM_005612.4); short protein forms R817*.
Identifiers: ClinVar variation 1189031 (VCV001189031.2), dbSNP rs1720961036, ClinGen allele CA357008802.

ClinVar aggregate classification (germline): Uncertain significance. Review status: criteria provided, single submitter (1 of 4 stars). 2 submissions from 2 submitters: Uncertain significance (1). 1 of the submissions does not count toward it. Last evaluated 2024-04-30.

Conditions:
Fibromatosis, gingival, 5. Also called: FIBROMATOSIS, GINGIVAL, HEREDITARY, 5. Identifiers: MedGen C4539942, MONDO:0033493, OMIM 617626.
Inborn genetic diseases. Identifiers: MedGen C0950123, MeSH D030342.

Submissions (2):

Ambry Genetics
Classification: Uncertain significance for Inborn genetic diseases. Last evaluated: 2024-04-30. Review status: criteria provided, single submitter. Criteria: Ambry Variant Classification Scheme 2023. Collection method: clinical testing. Allele origin: germline.
Comment: The c.2449C>T (p.R817*) alteration, located in exon 4 (coding exon 3) of the REST gene, consists of a C to T substitution at nucleotide position 2449. This changes the amino acid from a arginine (R) to a stop codon at amino acid position 817. This alteration occurs at the 3' terminus of the REST gene, is not expected to trigger nonsense-mediated mRNA decay, and only impacts the last 25.6% of the protein. The exact functional effect of this alteration is unknown. This variant was not reported in population-based cohorts in the Genome Aggregation Database (gnomAD). This variant has been detected in one family with autosomal dominant pattern of gingival overgrowth (Chen, 2021). Based on insufficient or conflicting evidence, the clinical significance of this alteration remains unclear.

Wang Lab, School of Dentistry, National Taiwan University
Classification: Pathogenic for Fibromatosis, gingival, 5. Last evaluated: 2021-08-05. Review status: no assertion criteria provided. Collection method: research. Allele origin: inherited. Affected: yes. Not counted in ClinVar's aggregate classification.

Literature cited by the submitters: PubMed 33719663 (cited by Ambry Genetics and Wang Lab, School of Dentistry, National Taiwan University).